The following is an entry in ClinVar:

NM_181672.3(OGT):c.2320A>G (p.Met774Val)

Gene: OGT (O-linked N-acetylglucosamine (GlcNAc) transferase; plus strand). Cytogenetic location: Xq13.1.
Variant type: single nucleotide variant.
Coding change: c.2320A>G on transcript NM_181672.3 (MANE Select); coding-DNA position 2320, A replaced by G.
Protein change: p.Met774Val; replaces methionine 774 with valine.
Molecular consequence: missense variant.
Genome position (GRCh38, 1-based): chrX:71,563,383, A>G. VCF-style: chrX-71563383-A-G. GRCh37 (hg19) VCF-style: chrX-70783233-A-G.
Other names: c.2290A>G, p.Met764Val (NM_181673.3); short protein forms M764V, M774V.
Identifiers: ClinVar variation 3363688 (VCV003363688.1).

ClinVar aggregate classification (germline): Uncertain significance (1 of 4 stars; one submission).

Submission:

GeneDx
Classification: Uncertain significance. Last evaluated: 2023-10-31. Review status: criteria provided, single submitter. Criteria: GeneDx Variant Classification Process June 2021. Collection method: clinical testing. Allele origin: germline. Affected: yes.
Comment: Not observed at significant frequency in large population cohorts (gnomAD); In silico analysis supports that this missense variant does not alter protein structure/function; Has not been previously published as pathogenic or benign to our knowledge